The following is an entry in ClinVar:

ClinVar aggregate classification (germline): Likely pathogenic (1 of 4 stars; one submission).

Conditions:
Biotinidase deficiency. Also called: BTD deficiency; Late-onset biotin-responsive multiple carboxylase deficiency; Biotin deficiency. Identifiers: Orphanet 79241, MedGen C0220754, MONDO:0009665, OMIM 253260.

Submission:

Natera, Inc.
Classification: Likely pathogenic for Biotinidase deficiency. Last evaluated: 2025-12-31. Review status: criteria provided, single submitter. Criteria: Natera Variant Classification Schema (03/2026). Collection method: clinical testing. Allele origin: germline.
Comment: The c.1612C>A variant in BTD is a missense variant predicted to cause substitution of arginine to serine at amino acid 538. This variant is rare in the general population with a frequency below the threshold expected for the associated phenotype(s). This variant has been observed in one or more individuals affected with the associated recessive disease, as either homozygous or compound heterozygous with a second variant (PMID: 34107619). A different variant at the same position has been determined to be Pathogenic or Likely Pathogenic. Computational prediction algorithms indicate this variant is likely to affect gene or protein function. Given the available evidence, this variant is classified as Likely Pathogenic.

Literature cited by the submitters: PubMed 34107619.

NM_000060.4:c.1612C>A

Variant type: single nucleotide variant.
Other names: c.1612C>A (NM_000060.4).
Identifiers: ClinVar variation 4815995 (VCV004815995.1).